The following is an entry in ClinVar:

ClinVar aggregate classification (germline): Uncertain significance (1 of 4 stars; one submission).

Conditions:
Joubert syndrome. Also called: JOUBERT-BOLTSHAUSER SYNDROME; Familial aplasia of the vermis. Identifiers: Orphanet 475, MedGen C5979921, MONDO:0018772.
Meckel-Gruber syndrome. Also called: DYSENCEPHALIA SPLANCHNOCYSTICA; GRUBER SYNDROME; Dysencephalia splachnocystica. Identifiers: Orphanet 564, MedGen C0265215, MONDO:0018921.

Allele frequency attached by ClinVar (database versions not stated): gnomAD exomes below 0.00001; TOPMed 0.00002; ExAC 0.00004; gnomAD 0.00004; 1000 Genomes Project 30x 0.00016; 1000 Genomes Project 0.00020.

Submission:

Labcorp Genetics (formerly Invitae), Labcorp
Classification: Uncertain significance for Joubert syndrome; Meckel-Gruber syndrome. Last evaluated: 2023-08-17. Review status: criteria provided, single submitter. Criteria: Invitae Variant Classification Sherloc (09022015). Collection method: clinical testing. Allele origin: germline.
Comment: In summary, the available evidence is currently insufficient to determine the role of this variant in disease. Therefore, it has been classified as a Variant of Uncertain Significance. Advanced modeling of protein sequence and biophysical properties (such as structural, functional, and spatial information, amino acid conservation, physicochemical variation, residue mobility, and thermodynamic stability) performed at Invitae indicates that this missense variant is expected to disrupt CC2D2A protein function. ClinVar contains an entry for this variant (Variation ID: 2190787). This variant has not been reported in the literature in individuals affected with CC2D2A-related conditions. This variant is present in population databases (rs548727534, gnomAD 0.01%). This sequence change replaces tyrosine, which is neutral and polar, with cysteine, which is neutral and slightly polar, at codon 971 of the CC2D2A protein (p.Tyr971Cys).

NM_001378615.1(CC2D2A):c.2912A>G (p.Tyr971Cys)

Genes: CC2D2A (coiled-coil and C2 domain containing 2A; plus strand), FBXL5 (F-box and leucine rich repeat protein 5; minus strand). Cytogenetic location: 4p15.32.
Variant type: single nucleotide variant.
Coding change: c.2912A>G on transcript NM_001378615.1 (MANE Select); coding-DNA position 2912, A replaced by G.
Protein change: p.Tyr971Cys; replaces tyrosine 971 with cysteine.
Molecular consequence: missense variant.
Genome position (GRCh38, 1-based): chr4:15,559,247, A>G. VCF-style: chr4-15559247-A-G. GRCh37 (hg19) VCF-style: chr4-15560870-A-G.
Other names: c.2912A>G, p.Tyr971Cys (NM_001080522.2); c.2765A>G, p.Tyr922Cys (NM_001378617.1); short protein forms Y971C, Y922C.
Identifiers: ClinVar variation 2190787 (VCV002190787.4), dbSNP rs548727534, ClinGen allele CA2864029.